The following is an entry in ClinVar:

NM_000417.3(IL2RA):c.724G>T (p.Ala242Ser)

Gene: IL2RA (interleukin 2 receptor subunit alpha; minus strand). Cytogenetic location: 10p15.1.
Variant type: single nucleotide variant.
Coding change: c.724G>T on transcript NM_000417.3 (MANE Select); coding-DNA position 724, G replaced by T.
Protein change: p.Ala242Ser; replaces alanine 242 with serine.
Molecular consequence: missense variant.
Genome position (GRCh38, 1-based): chr10:6,019,431, C>A on the plus strand (G>T on the coding strand, the complement: IL2RA is on the minus strand). VCF-style: chr10-6019431-C-A. GRCh37 (hg19) VCF-style: chr10-6061394-C-A.
Other names: c.508G>T, p.Ala170Ser (NM_001308242.2); c.436G>T, p.Ala146Ser (NM_001308243.2); short protein forms A242S, A146S, A170S.
Identifiers: ClinVar variation 1368953 (VCV001368953.5), dbSNP rs1247001197, ClinGen allele CA375925006.

ClinVar aggregate classification (germline): Uncertain significance (1 of 4 stars; one submission).

Conditions:
Immunodeficiency due to CD25 deficiency. Also called: IL2RA DEFICIENCY; IMMUNODEFICIENCY 41 WITH LYMPHOPROLIFERATION AND AUTOIMMUNITY; CD25 DEFICIENCY. Identifiers: Orphanet 169100, MedGen C1853392, MONDO:0011664, OMIM 606367.

Submission:

Labcorp Genetics (formerly Invitae), Labcorp
Classification: Uncertain significance for Immunodeficiency due to CD25 deficiency. Last evaluated: 2021-08-27. Review status: criteria provided, single submitter. Criteria: Invitae Variant Classification Sherloc (09022015). Collection method: clinical testing. Allele origin: germline.
Comment: This sequence change replaces alanine with serine at codon 242 of the IL2RA protein (p.Ala242Ser). The alanine residue is highly conserved and there is a moderate physicochemical difference between alanine and serine. This variant is not present in population databases (ExAC no frequency). This variant has not been reported in the literature in individuals affected with IL2RA-related conditions. Algorithms developed to predict the effect of missense changes on protein structure and function (SIFT, PolyPhen-2, Align-GVGD) all suggest that this variant is likely to be disruptive. In summary, the available evidence is currently insufficient to determine the role of this variant in disease. Therefore, it has been classified as a Variant of Uncertain Significance.